The following is an entry in ClinVar:

NM_021224.6(ZNF462):c.4654G>A (p.Val1552Ile)

Gene: ZNF462 (zinc finger protein 462; plus strand). Cytogenetic location: 9q31.2.
Variant type: single nucleotide variant.
Coding change: c.4654G>A on transcript NM_021224.6 (MANE Select); coding-DNA position 4654, G replaced by A.
Protein change: p.Val1552Ile; replaces valine 1552 with isoleucine.
Molecular consequence: missense variant. On other transcripts: intron variant (1).
Genome position (GRCh38, 1-based): chr9:106,928,566, G>A. VCF-style: chr9-106928566-G-A. GRCh37 (hg19) VCF-style: chr9-109690847-G-A.
Other names: c.3252+1402G>A (NM_001347997.2); c.4654G>A (NM_021224.4); short protein forms V1552I.
Identifiers: ClinVar variation 3257171 (VCV003257171.18).

ClinVar aggregate classification (germline): Conflicting classifications of pathogenicity. Review status: criteria provided, conflicting classifications (1 of 4 stars). 2 submissions from 2 submitters: Uncertain significance (1); Likely benign (1). Last evaluated 2025-09-01.

Conditions:
Inborn genetic diseases. Identifiers: MedGen C0950123, MeSH D030342.

gnomAD v4.1: 26 of 1,613,920 alleles (0.0016%); highest among the groups gnomAD compares: South Asian, 0.0066%; no homozygotes.

Submissions (2):

CeGaT Center for Human Genetics Tuebingen
Classification: Likely benign. Last evaluated: 2025-09-01. Review status: criteria provided, single submitter. Criteria: CeGaT Center For Human Genetics Tuebingen Variant Classification Criteria Version 2. Collection method: clinical testing. Allele origin: germline. Affected: yes. Observed: 1 variant allele.
Comment: ZNF462: BP4

Ambry Genetics
Classification: Uncertain significance for Inborn genetic diseases. Last evaluated: 2025-07-01. Review status: criteria provided, single submitter. Criteria: Ambry Variant Classification Scheme 2023. Collection method: clinical testing. Allele origin: germline.